The following is an entry in ClinVar:

NM_000901.5(NR3C2):c.1615G>T (p.Ala539Ser)

Gene: NR3C2 (nuclear receptor subfamily 3 group C member 2; minus strand). Cytogenetic location: 4q31.23.
Variant type: single nucleotide variant.
Coding change: c.1615G>T on transcript NM_000901.5 (MANE Select); coding-DNA position 1615, G replaced by T.
Protein change: p.Ala539Ser; replaces alanine 539 with serine.
Molecular consequence: missense variant. On other transcripts: non-coding transcript variant (1).
Genome position (GRCh38, 1-based): chr4:148,435,246, C>A on the plus strand (G>T on the coding strand, the complement: NR3C2 is on the minus strand). VCF-style: chr4-148435246-C-A. GRCh37 (hg19) VCF-style: chr4-149356398-C-A.
Other names: c.1615G>T (NM_000901.4); c.1615G>T, p.Ala539Ser (NM_001166104.2, NM_001354819.1); short protein forms A539S.
Identifiers: ClinVar variation 1905636 (VCV001905636.6), dbSNP rs72645626, ClinGen allele CA3100275.

ClinVar aggregate classification (germline): Uncertain significance. Review status: criteria provided, multiple submitters, no conflicts (2 of 4 stars). 2 submissions from 2 submitters: Uncertain significance (2). Last evaluated 2025-06-12.

Conditions:
Inborn genetic diseases. Identifiers: MedGen C0950123, MeSH D030342.

Allele frequency attached by ClinVar (database versions not stated): gnomAD exomes 0.00001; ExAC 0.00003; gnomAD 0.00011; TOPMed 0.00011; ESP Exome Variant Server 0.00023.
gnomAD v4.1: 28 of 1,614,058 alleles (0.0017%); highest among the groups gnomAD compares: African/African-American, 0.033%; no homozygotes.

Submissions (2):

Labcorp Genetics (formerly Invitae), Labcorp
Classification: Uncertain significance. Last evaluated: 2025-06-12. Review status: criteria provided, single submitter. Criteria: Invitae Variant Classification Sherloc (09022015). Collection method: clinical testing. Allele origin: germline.
Comment: This sequence change replaces alanine, which is neutral and non-polar, with serine, which is neutral and polar, at codon 539 of the NR3C2 protein (p.Ala539Ser). This variant is present in population databases (rs72645626, gnomAD 0.03%). This variant has not been reported in the literature in individuals affected with NR3C2-related conditions. ClinVar contains an entry for this variant (Variation ID: 1905636). Invitae Evidence Modeling of protein sequence and biophysical properties (such as structural, functional, and spatial information, amino acid conservation, physicochemical variation, residue mobility, and thermodynamic stability) indicates that this missense variant is not expected to disrupt NR3C2 protein function with a negative predictive value of 80%. In summary, the available evidence is currently insufficient to determine the role of this variant in disease. Therefore, it has been classified as a Variant of Uncertain Significance.

Ambry Genetics
Classification: Uncertain significance for Inborn genetic diseases. Last evaluated: 2024-01-16. Review status: criteria provided, single submitter. Criteria: Ambry Variant Classification Scheme 2023. Collection method: clinical testing. Allele origin: germline.